The following is an entry in ClinVar:

ClinVar aggregate classification (germline): Uncertain significance. Review status: criteria provided, single submitter (1 of 4 stars). 2 submissions from 2 submitters: Uncertain significance (1). 1 of the submissions does not count toward it. Last evaluated 2024-11-22.

Conditions:
Ritscher-Schinzel syndrome 3. Identifiers: MedGen C5436883, MONDO:0030864, OMIM 619135.

Submissions (2):

Ambry Genetics
Classification: Uncertain significance. Last evaluated: 2024-11-22. Review status: criteria provided, single submitter. Criteria: Ambry Variant Classification Scheme 2023. Collection method: clinical testing. Allele origin: germline.
Comment: The c.2988_2990delCAA (p.N996del) alteration, located in coding exon 30 of the VPS35L gene, results from an in-frame 3 nucleotide deletion at nucleotide positions c.2988 to c.2990. This results in the deletion of an asparagine residue at codon 996. Based on data from gnomAD, this allele has an overall frequency of 0.001% (3/282750) total alleles studied. The highest observed frequency was 0.002% (3/129112) of European (non-Finnish) alleles. This variant has been identified in trans with another VPS35L variant in an individual with short stature, relative macrocephaly, characteristic facial features, limb abnormalities, proteinuria, increased transaminases, hypotonia, and hearing impairment (Otsuji, 2023). This amino acid position is well conserved in available vertebrate species. This alteration is predicted to be deleterious by in silico analysis (Choi, 2012). Based on insufficient or conflicting evidence, the clinical significance of this alteration remains unclear.

OMIM
Classification: Pathogenic for RITSCHER-SCHINZEL SYNDROME 3. Last evaluated: 2024-04-08. Review status: no assertion criteria provided. Collection method: literature only. Allele origin: germline. Not counted in ClinVar's aggregate classification.

Literature cited by the submitters: PubMed 36113987 (cited by Ambry Genetics and OMIM).

NM_020314.7(VPS35L):c.2715CAA[2] (p.Asn907del)

Gene: VPS35L (VPS35 endosomal protein sorting factor like; plus strand). Cytogenetic location: 16p12.3.
Variant type: Microsatellite.
Coding change: c.2715CAA[2] on transcript NM_020314.7 (MANE Select); two copies in a row of the 3-base unit CAA starting at c.2715; the reference has three copies in a row; one copy, 3 bases deleted.
Protein change: p.Asn907del; deletes asparagine 907.
Molecular consequence: inframe deletion. On other transcripts: non-coding transcript variant (2).
Genome position (GRCh38, 1-based): chr16:19,699,576-19,699,578, CAA deleted; deleting any 3 consecutive bases within chr16:19,699,570-19,699,578 gives the same sequence; the position shown is the placement nearest the transcript's 3' end. VCF-style (leftmost placement, unchanged base first): chr16-19699569-GCAA-G. GRCh37 (hg19) VCF-style: chr16-19710891-GCAA-G.
Other names: c.2436CAA[2], p.Asn814del (NM_001300743.3); c.2637CAA[2], p.Asn881del (NM_001365293.2); c.2514CAA[2], p.Asn840del (NM_001365294.2); c.1827CAA[2], p.Asn611del (NM_001365295.2); c.2988_2990delCAA (NM_020314.5); short protein forms N611del, N814del, N840del, N881del, N907del.
Identifiers: ClinVar variation 3068427 (VCV003068427.2), dbSNP rs760572158, ClinGen allele CA7937023.